The following is an entry in ClinVar:

NM_015335.5(MED13L):c.5263T>C (p.Tyr1755His)

Gene: MED13L (mediator complex subunit 13L; minus strand). Cytogenetic location: 12q24.21.
Variant type: single nucleotide variant.
Coding change: c.5263T>C on transcript NM_015335.5 (MANE Select); coding-DNA position 5263, T replaced by C.
Protein change: p.Tyr1755His; replaces tyrosine 1755 with histidine.
Molecular consequence: missense variant.
Genome position (GRCh38, 1-based): chr12:115,980,851, A>G on the plus strand (T>C on the coding strand, the complement: MED13L is on the minus strand). VCF-style: chr12-115980851-A-G. GRCh37 (hg19) VCF-style: chr12-116418656-A-G.
Other names: short protein forms Y1755H.
Identifiers: ClinVar variation 5009455 (VCV005009455.1).

ClinVar aggregate classification (germline): Uncertain significance (1 of 4 stars; one submission).

gnomAD v4.1: 1 of 1,613,498 alleles (0.000062%); highest among the groups gnomAD compares: Non-Finnish European, 0.000085%; no homozygotes.

Submission:

GeneDx
Classification: Uncertain significance. Last evaluated: 2026-03-19. Review status: criteria provided, single submitter. Criteria: GeneDx Variant Classification Process June 2021. Collection method: clinical testing. Allele origin: germline.
Comment: Not observed at significant frequency in large population cohorts (gnomAD); In silico analysis supports that this missense variant has a deleterious effect on protein structure/function; Has not been previously published as pathogenic or benign to our knowledge